The following is an entry in ClinVar:

NM_032043.3(BRIP1):c.1256G>A (p.Arg419Gln)

Gene: BRIP1 (BRCA1 interacting DNA helicase 1; minus strand). Cytogenetic location: 17q23.2.
Variant type: single nucleotide variant.
Coding change: c.1256G>A on transcript NM_032043.3 (MANE Select); coding-DNA position 1256, G replaced by A.
Protein change: p.Arg419Gln; replaces arginine 419 with glutamine.
Molecular consequence: missense variant.
Genome position (GRCh38, 1-based): chr17:61,799,184, C>T on the plus strand (G>A on the coding strand, the complement: BRIP1 is on the minus strand). VCF-style: chr17-61799184-C-T. GRCh37 (hg19) VCF-style: chr17-59876545-C-T.
Other names: short protein forms R419Q.
Identifiers: ClinVar variation 407792 (VCV000407792.12), dbSNP rs748105919, ClinGen allele CA8690771.
Genomic context (GRCh38, chr17:61,799,184, plus strand): 5'-CGTAGGGGTTCATGATCTTTCTTCCTTATATTATTGTTGACCATACTATCTAGTTCATCC[C>T]GAGCAAACCGAAGCTGAACTTCTGTTACACTGTAACTTGCTGATTCCCGAGCACAGTCCT-3'
Protein context (NP_114432.2, residues 409-429): SVTEVQLRFA[Arg419Gln]DELDSMVNNN

ClinVar aggregate classification (germline): Uncertain significance. Review status: criteria provided, multiple submitters, no conflicts (2 of 4 stars). 4 submissions from 4 submitters: Uncertain significance (4). Last evaluated 2025-11-09.

Conditions:
Hereditary cancer-predisposing syndrome. Also called: Hereditary neoplastic syndrome; Neoplastic Syndromes, Hereditary; Tumor predisposition; Hereditary Cancer Syndrome. Identifiers: Orphanet 140162, MedGen C0027672, MeSH D009386, MONDO:0015356.
Familial cancer of breast. Also called: Hereditary breast cancer; hereditary breast carcinoma; BREAST CANCER, FAMILIAL. Identifiers: Orphanet 227535, MedGen C0346153, MONDO:0016419, OMIM 114480. Disease mechanism: loss of function.
Fanconi anemia complementation group J. Also called: BRIP1-Related Fanconi Anemia. Identifiers: Orphanet 84, MedGen C1836860, MONDO:0012187, OMIM 609054.

Allele frequency attached by ClinVar (database versions not stated): gnomAD 0.00001; TOPMed 0.00001; gnomAD exomes below 0.00001; ExAC 0.00001.
gnomAD v4.1: 4 of 1,613,466 alleles (0.00025%); highest among the groups gnomAD compares: African/African-American, 0.0027%; no homozygotes.

Submissions (4):

Labcorp Genetics (formerly Invitae), Labcorp
Classification: Uncertain significance for Familial cancer of breast; Fanconi anemia complementation group J. Last evaluated: 2025-11-09. Review status: criteria provided, single submitter. Criteria: Invitae Variant Classification Sherloc (09022015). Collection method: clinical testing. Allele origin: germline.
Comment: This sequence change replaces arginine, which is basic and polar, with glutamine, which is neutral and polar, at codon 419 of the BRIP1 protein (p.Arg419Gln). This variant is present in population databases (rs748105919, gnomAD 0.007%). This variant has not been reported in the literature in individuals affected with BRIP1-related conditions. ClinVar contains an entry for this variant (Variation ID: 407792). Invitae Evidence Modeling of protein sequence and biophysical properties (such as structural, functional, and spatial information, amino acid conservation, physicochemical variation, residue mobility, and thermodynamic stability) indicates that this missense variant is not expected to disrupt BRIP1 protein function with a negative predictive value of 95%. In summary, the available evidence is currently insufficient to determine the role of this variant in disease. Therefore, it has been classified as a Variant of Uncertain Significance.

Color Diagnostics, LLC DBA Color Health
Classification: Uncertain significance for Hereditary cancer-predisposing syndrome. Last evaluated: 2025-10-06. Review status: criteria provided, single submitter. Criteria: ACMG Guidelines, 2015. Collection method: clinical testing. Allele origin: germline.
Comment: This missense variant replaces arginine with glutamine at codon 419 of the BRIP1 protein. Computational prediction suggests that this variant may not impact protein structure and function. To our knowledge, functional studies have not been reported for this variant. This variant has not been reported in individuals affected with BRIP1-related disorders in the literature. This variant has been identified in 4/1613466 chromosomes in the general population by the Genome Aggregation Database (gnomAD). The available evidence is insufficient to determine the role of this variant in disease conclusively. Therefore, this variant is classified as a Variant of Uncertain Significance.

GeneDx
Classification: Uncertain significance. Last evaluated: 2024-01-09. Review status: criteria provided, single submitter. Criteria: GeneDx Variant Classification Process June 2021. Collection method: clinical testing. Allele origin: germline. Affected: yes.
Comment: Not observed at significant frequency in large population cohorts (gnomAD); In silico analysis supports that this missense variant does not alter protein structure/function; Observed in an individual with duodenal carcinoma (PMID: 35171259); This variant is associated with the following publications: (PMID: 35171259)

Ambry Genetics
Classification: Uncertain significance for Hereditary cancer-predisposing syndrome. Last evaluated: 2023-09-23. Review status: criteria provided, single submitter. Criteria: Ambry Variant Classification Scheme 2023. Collection method: clinical testing. Allele origin: germline.
Comment: The p.R419Q variant (also known as c.1256G>A), located in coding exon 8 of the BRIP1 gene, results from a G to A substitution at nucleotide position 1256. The arginine at codon 419 is replaced by glutamine, an amino acid with highly similar properties. This amino acid position is highly conserved in available vertebrate species. In addition, the in silico prediction for this alteration is inconclusive. Since supporting evidence is limited at this time, the clinical significance of this alteration remains unclear.